The following is an entry in ClinVar:

ClinVar aggregate classification (germline): Likely pathogenic (0 of 4 stars; one submission).

Conditions:
ABCC2-related disorder. Also called: ABCC2-related condition.

gnomAD v4.1: 1 of 1,613,952 alleles (0.000062%); no homozygotes.

Submission:

PreventionGenetics, part of Exact Sciences
Classification: Likely pathogenic for ABCC2-related condition. Last evaluated: 2023-12-19. Review status: no assertion criteria provided. Collection method: clinical testing. Allele origin: germline.
Comment: The ABCC2 c.633-1G>A variant is predicted to disrupt the AG splice acceptor site and interfere with normal splicing. To our knowledge, this variant has not been reported in the literature. This variant is reported in 0.0046% of alleles in individuals of European (Finnish) descent in gnomAD. Variants that disrupt the consensus splice acceptor site in ABCC2 are expected to be pathogenic. This variant is interpreted as likely pathogenic.

NM_000392.5(ABCC2):c.633-1G>A

Gene: ABCC2 (ATP binding cassette subfamily C member 2; plus strand). Cytogenetic location: 10q24.2.
Variant type: single nucleotide variant.
Coding change: c.633-1G>A on transcript NM_000392.5 (MANE Select); the canonical splice acceptor site of the intron before coding-DNA position 633, G replaced by A.
Molecular consequence: splice acceptor variant.
Genome position (GRCh38, 1-based): chr10:99,797,096, G>A. VCF-style: chr10-99797096-G-A. GRCh37 (hg19) VCF-style: chr10-101556853-G-A.
Identifiers: ClinVar variation 3033525 (VCV003033525.2), dbSNP rs1242558715, ClinGen allele CA378104160.
Genomic context (GRCh38, chr10:99,797,096, plus strand): 5'-TGGTGGAGATAGCCTCTGACCCAGCCTGGGGGTCTCAGCCTGTGGTTCGCTCTTGTTCCA[G>A]CATCATTCTGAAAGGCTACAAGCGTCCTCTGACACTCGAGGATGTCTGGGAAGTTGATGA-3'